The following is an entry in ClinVar:

NM_001354604.2(MITF):c.387C>A (p.Tyr129Ter)

Gene: MITF (melanocyte inducing transcription factor; plus strand). Cytogenetic location: 3p13.
Variant type: single nucleotide variant.
Coding change: c.387C>A on transcript NM_001354604.2 (MANE Select); coding-DNA position 387, C replaced by A.
Protein change: p.Tyr129Ter; replaces tyrosine 129 with a stop codon.
Molecular consequence: nonsense.
Genome position (GRCh38, 1-based): chr3:69,937,854, C>A. VCF-style: chr3-69937854-C-A. GRCh37 (hg19) VCF-style: chr3-69987005-C-A.
Other names: c.66C>A, p.Tyr22Ter (NM_000248.4, NM_001184968.2, NM_198158.3 and 1 more transcripts); c.231C>A, p.Tyr77Ter (NM_001184967.2, NM_001354608.2); c.384C>A, p.Tyr128Ter (NM_001354605.2, NM_001354606.2, NM_006722.3); c.336C>A, p.Tyr112Ter (NM_001354607.2); c.387C>A, p.Tyr129Ter (NM_198159.3); c.339C>A, p.Tyr113Ter (NM_198177.3); short protein forms Y112*, Y113*, Y128*, Y129*, Y22*, Y77*.
Identifiers: ClinVar variation 1526071 (VCV001526071.1), dbSNP rs2107478777, ClinGen allele CA353560319.

ClinVar aggregate classification (germline): Likely pathogenic (1 of 4 stars; one submission).

Conditions:
Waardenburg syndrome type 2A (WS2A). Also called: WAARDENBURG SYNDROME WITHOUT DYSTOPIA CANTHORUM. Identifiers: Orphanet 3440, MedGen C1860339, MONDO:0008671, OMIM 193510.

Submission:

3billion
Classification: Likely pathogenic for Waardenburg syndrome type 2A. Last evaluated: 2022-03-22. Review status: criteria provided, single submitter. Criteria: ACMG Guidelines, 2015. Collection method: clinical testing. Allele origin: germline. Affected: yes. Observed: 1 heterozygote.
Comment: Stop-gained (nonsense): predicted to result in a loss or disruption of normal protein function through nonsense-mediated decay (NMD) or protein truncation. Multiple pathogenic variants are reported downstream of the variant.It is not observed in the gnomAD v2.1.1 dataset. Therefore, this variant is classified as likely pathogenic according to the recommendation of ACMG/AMP guideline.